The following is an entry in ClinVar:

NM_005149.3(TBX19):c.403T>C (p.Trp135Arg)

Gene: TBX19 (T-box transcription factor 19; plus strand). Cytogenetic location: 1q24.2.
Variant type: single nucleotide variant.
Coding change: c.403T>C on transcript NM_005149.3 (MANE Select); coding-DNA position 403, T replaced by C.
Protein change: p.Trp135Arg; replaces tryptophan 135 with arginine.
Molecular consequence: missense variant.
Genome position (GRCh38, 1-based): chr1:168,291,359, T>C. VCF-style: chr1-168291359-T-C. GRCh37 (hg19) VCF-style: chr1-168260597-T-C.
Other names: short protein forms W135R.
Identifiers: ClinVar variation 976452 (VCV000976452.1), dbSNP rs1648935336, ClinGen allele CA343106226.

ClinVar aggregate classification (germline): Uncertain significance (0 of 4 stars; one submission).

Conditions:
Congenital isolated adrenocorticotropic hormone deficiency. Also called: Adrenocorticotropic hormone deficiency; ACTH deficiency; ACTH DEFICIENCY, ISOLATED. Identifiers: Orphanet 199296, MedGen C0342388, MONDO:0008720, OMIM 201400, HP:0011748.

Submission:

Clinical Genomics Laboratory, Stanford Medicine
Classification: Uncertain significance for Congenital isolated adrenocorticotropic hormone deficiency. Last evaluated: 2019-07-09. Review status: no assertion criteria provided. Collection method: clinical testing. Allele origin: germline. Inheritance: Autosomal recessive inheritance. Affected: yes.
Comment: The p.Trp135Arg variant in the TBX19 gene has not been previously reported in association with disease. This variant was absent from large population databases, including the Genome Aggregation Database. This variant was homozygous, consistent with an autosomal recessive inheritance. Computational tools predict that this variant is deleterious; however, the accuracy of in silico algorithms is limited. These data were assessed using the ACMG/AMP variant interpretation guidelines. In summary, the significance of the p.Trp153Arg variant is uncertain. [ACMG codes used: PM2, PM3_supporting, PP3]